The following is an entry in ClinVar:

NM_004380.3(CREBBP):c.6216G>T (p.Arg2072=)

Gene: CREBBP (CREB binding lysine acetyltransferase; minus strand). Cytogenetic location: 16p13.3.
Variant type: single nucleotide variant.
Coding change: c.6216G>T on transcript NM_004380.3 (MANE Select); coding-DNA position 6216, G replaced by T.
Protein change: p.Arg2072=; no amino-acid change (arginine 2072 retained).
Molecular consequence: synonymous variant.
Genome position (GRCh38, 1-based): chr16:3,728,831, C>A on the plus strand (G>T on the coding strand, the complement: CREBBP is on the minus strand). VCF-style: chr16-3728831-C-A. GRCh37 (hg19) VCF-style: chr16-3778832-C-A.
Other names: c.6102G>T, p.Arg2034= (NM_001079846.1).
Identifiers: ClinVar variation 4999713 (VCV004999713.1).

ClinVar aggregate classification (germline): Likely benign (1 of 4 stars; one submission).

Conditions:
CREBBP-related disorder. Also called: CREBBP-related condition; CREBBP-related disorders.

Submission:

PreventionGenetics, part of Exact Sciences
Classification: Likely benign for CREBBP-related condition. Last evaluated: 2026-05-13. Review status: criteria provided, single submitter. Criteria: ACMG Guidelines, 2015. Collection method: clinical testing. Allele origin: germline.
Comment: This variant is classified as likely benign based on ACMG/AMP sequence variant interpretation guidelines (Richards et al. 2015 PMID: 25741868, with internal and published modifications).